The following is an entry in ClinVar:

ClinVar aggregate classification (germline): Uncertain significance (1 of 4 stars; one submission).

Conditions:
Familial thoracic aortic aneurysm and aortic dissection (TAAD). Also called: Thoracic aortic aneurysms and dissections. Identifiers: Orphanet 91387, MedGen C4707243, MONDO:0019625.

Allele frequency attached by ClinVar (database versions not stated): gnomAD exomes below 0.00001.
gnomAD v4.1: 2 of 1,614,194 alleles (0.00012%); highest among the groups gnomAD compares: Non-Finnish European, 0.00017%; no homozygotes.

Submission:

Ambry Genetics
Classification: Uncertain significance for Familial thoracic aortic aneurysm and aortic dissection. Last evaluated: 2021-07-07. Review status: criteria provided, single submitter. Criteria: Ambry Variant Classification Scheme 2023. Collection method: clinical testing. Allele origin: germline.
Comment: The p.T189I variant (also known as c.566C>T), located in coding exon 2 of the SLC2A10 gene, results from a C to T substitution at nucleotide position 566. The threonine at codon 189 is replaced by isoleucine, an amino acid with similar properties. This amino acid position is conserved. In addition, this alteration is predicted to be tolerated by in silico analysis. Since supporting evidence is limited at this time, the clinical significance of this alteration remains unclear.

NM_030777.4(SLC2A10):c.566C>T (p.Thr189Ile)

Gene: SLC2A10 (solute carrier family 2 member 10; plus strand). Cytogenetic location: 20q13.12.
Variant type: single nucleotide variant.
Coding change: c.566C>T on transcript NM_030777.4 (MANE Select); coding-DNA position 566, C replaced by T.
Protein change: p.Thr189Ile; replaces threonine 189 with isoleucine.
Molecular consequence: missense variant.
Genome position (GRCh38, 1-based): chr20:46,725,602, C>T. VCF-style: chr20-46725602-C-T. GRCh37 (hg19) VCF-style: chr20-45354241-C-T.
Other names: short protein forms T189I.
Identifiers: ClinVar variation 1748948 (VCV001748948.2), dbSNP rs2515588842, ClinGen allele CA409267265.
Genomic context (GRCh38, chr20:46,725,602, plus strand): 5'-GCTGGGCCACTGCACCTGCTGTCCTGCAATCCCTCAGCCTCCTCTTCCTCCCTGCTGGTA[C>T]AGATGAGACTGCAACACACAAGGACCTCATCCCACTCCAGGGAGGTGAGGCCCCCAAGCT-3'
Protein context (NP_110404.1, residues 179-199): SLSLLFLPAG[Thr189Ile]DETATHKDLI